The following is an entry in ClinVar:

NM_004385.5(VCAN):c.4344A>C (p.Glu1448Asp)

Genes: VCAN (versican; plus strand), VCAN-AS1 (VCAN antisense RNA 1; minus strand). Cytogenetic location: 5q14.3.
Variant type: single nucleotide variant.
Coding change: c.4344A>C on transcript NM_004385.5 (MANE Select); coding-DNA position 4344, A replaced by C.
Protein change: p.Glu1448Asp; replaces glutamic acid 1448 with aspartic acid.
Molecular consequence: missense variant. On other transcripts: intron variant (2).
Genome position (GRCh38, 1-based): chr5:83,537,347, A>C. VCF-style: chr5-83537347-A-C. GRCh37 (hg19) VCF-style: chr5-82833166-A-C.
Other names: c.1383A>C, p.Glu461Asp (NM_001164097.2); c.4004-8190A>C (NM_001164098.2); c.1043-8190A>C (NM_001126336.3); short protein forms E461D, E1448D.
Identifiers: ClinVar variation 3467767 (VCV003467767.3).

ClinVar aggregate classification (germline): Uncertain significance. Review status: criteria provided, multiple submitters, no conflicts (2 of 4 stars). 2 submissions from 2 submitters: Uncertain significance (2). Last evaluated 2024-10-20.

Conditions:
Inborn genetic diseases. Identifiers: MedGen C0950123, MeSH D030342.

Submissions (2):

Ambry Genetics
Classification: Uncertain significance for Inborn genetic diseases. Last evaluated: 2024-10-20. Review status: criteria provided, single submitter. Criteria: Ambry Variant Classification Scheme 2023. Collection method: clinical testing. Allele origin: germline.

Labcorp Genetics (formerly Invitae), Labcorp
Classification: Uncertain significance. Last evaluated: 2024-09-10. Review status: criteria provided, single submitter. Criteria: Invitae Variant Classification Sherloc (09022015). Collection method: clinical testing. Allele origin: germline.
Comment: This sequence change replaces glutamic acid, which is acidic and polar, with aspartic acid, which is acidic and polar, at codon 1448 of the VCAN protein (p.Glu1448Asp). This variant is not present in population databases (gnomAD no frequency). This variant has not been reported in the literature in individuals affected with VCAN-related conditions. An algorithm developed to predict the effect of missense changes on protein structure and function (PolyPhen-2) suggests that this variant is likely to be tolerated. In summary, the available evidence is currently insufficient to determine the role of this variant in disease. Therefore, it has been classified as a Variant of Uncertain Significance.